The following is an entry in ClinVar:

NM_020639.3(RIPK4):c.720C>T (p.His240=)

Gene: RIPK4 (receptor interacting serine/threonine kinase 4; minus strand). Cytogenetic location: 21q22.3.
Variant type: single nucleotide variant.
Coding change: c.720C>T on transcript NM_020639.3 (MANE Select); coding-DNA position 720, C replaced by T.
Protein change: p.His240=; no amino-acid change (histidine 240 retained).
Molecular consequence: synonymous variant.
Genome position (GRCh38, 1-based): chr21:41,746,725, G>A on the plus strand (C>T on the coding strand, the complement: RIPK4 is on the minus strand). VCF-style: chr21-41746725-G-A. GRCh37 (hg19) VCF-style: chr21-43166885-G-A.
Identifiers: ClinVar variation 3352976 (VCV003352976.1).

ClinVar aggregate classification (germline): Likely benign (0 of 4 stars; one submission).

Conditions:
RIPK4-related disorder. Also called: RIPK4-related condition.

gnomAD v4.1: 29 of 1,608,602 alleles (0.0018%); highest among the groups gnomAD compares: Admixed American, 0.044%; no homozygotes.

Submission:

PreventionGenetics, part of Exact Sciences
Classification: Likely benign for RIPK4-related condition. Last evaluated: 2024-04-23. Review status: no assertion criteria provided. Collection method: clinical testing. Allele origin: germline.
Comment: This variant is classified as likely benign based on ACMG/AMP sequence variant interpretation guidelines (Richards et al. 2015 PMID: 25741868, with internal and published modifications).